The following is an entry in ClinVar:

ClinVar aggregate classification (germline): Uncertain significance (1 of 4 stars; one submission).

Conditions:
Hereditary spastic paraplegia 43. Also called: Spastic paraplegia 43, autosomal recessive. Identifiers: Orphanet 320370, MedGen C2680446, MONDO:0014024, OMIM 615043.

Submission:

Labcorp Genetics (formerly Invitae), Labcorp
Classification: Uncertain significance for Hereditary spastic paraplegia 43. Last evaluated: 2024-04-25. Review status: criteria provided, single submitter. Criteria: Invitae Variant Classification Sherloc (09022015). Collection method: clinical testing. Allele origin: germline.
Comment: This sequence change creates a premature translational stop signal (p.Glu95*) in the C19orf12 gene. While this is not anticipated to result in nonsense mediated decay, it is expected to disrupt the last 58 amino acid(s) of the C19orf12 protein. This variant is not present in population databases (gnomAD no frequency). This variant has not been reported in the literature in individuals affected with C19orf12-related conditions. Algorithms developed to predict the effect of sequence changes on RNA splicing suggest that this variant may disrupt the consensus splice site. In summary, the available evidence is currently insufficient to determine the role of this variant in disease. Therefore, it has been classified as a Variant of Uncertain Significance.

NM_031448.6(C19orf12):c.250G>T (p.Glu84Ter)

Gene: C19orf12 (chromosome 19 open reading frame 12; minus strand). Cytogenetic location: 19q12.
Variant type: single nucleotide variant.
Coding change: c.250G>T on transcript NM_031448.6 (MANE Select); coding-DNA position 250, G replaced by T.
Protein change: p.Glu84Ter; replaces glutamic acid 84 with a stop codon.
Molecular consequence: nonsense.
Genome position (GRCh38, 1-based): chr19:29,702,888, C>A on the plus strand (G>T on the coding strand, the complement: C19orf12 is on the minus strand). VCF-style: chr19-29702888-C-A. GRCh37 (hg19) VCF-style: chr19-30193795-C-A.
Other names: c.250G>T, p.Glu84Ter (NM_001031726.4, NM_001256046.3, NM_001256047.2); c.58G>T, p.Glu20Ter (NM_001282929.1, NM_001282930.3, NM_001282931.3); short protein forms E20*, E84*.
Identifiers: ClinVar variation 3650390 (VCV003650390.2).
Genomic context (GRCh38, chr19:29,702,888, plus strand): 5'-CGTCCGTCCACTCCAGGTGCCTGATGATGGCTGCGGCTTCGTTAAAGAGCCTCTGTTGCT[C>A]GGCAGGGGGCAGCTCCATTAGGATCTGAGGAACCGGCTTAAACTGTCCACTTGTCATCCA-3'